The following is an entry in ClinVar:

ClinVar aggregate classification (germline): Conflicting classifications of pathogenicity. Review status: criteria provided, conflicting classifications (1 of 4 stars). 2 submissions from 2 submitters: Uncertain significance (1); Likely benign (1). Last evaluated 2025-09-27.

Allele frequency attached by ClinVar (database versions not stated): ESP Exome Variant Server 0.00116; 1000 Genomes Project 0.00120; gnomAD 0.00127; gnomAD exomes 0.00127; 1000 Genomes Project 30x 0.00141; ExAC 0.00173.

Submissions (2):

Ambry Genetics
Classification: Uncertain significance. Last evaluated: 2025-09-27. Review status: criteria provided, single submitter. Criteria: Ambry Variant Classification Scheme 2023. Collection method: clinical testing. Allele origin: germline.

CeGaT Center for Human Genetics Tuebingen
Classification: Likely benign. Last evaluated: 2023-01-01. Review status: criteria provided, single submitter. Criteria: CeGaT Center For Human Genetics Tuebingen Variant Classification Criteria Version 2. Collection method: clinical testing. Allele origin: germline. Affected: yes. Observed: 1 variant allele.
Comment: FCGBP: BP4

NM_003890.3(FCGBP):c.7907C>T (p.Pro2636Leu)

Gene: FCGBP (Fc gamma binding protein; minus strand). Cytogenetic location: 19q13.2.
Variant type: single nucleotide variant.
Coding change: c.7907C>T on transcript NM_003890.3 (MANE Select); coding-DNA position 7907, C replaced by T.
Protein change: p.Pro2636Leu; replaces proline 2636 with leucine.
Molecular consequence: missense variant.
Genome position (GRCh38, 1-based): chr19:39,902,524, G>A on the plus strand (C>T on the coding strand, the complement: FCGBP is on the minus strand). VCF-style: chr19-39902524-G-A. GRCh37 (hg19) VCF-style: chr19-40392597-G-A.
Other names: c.7907C>T (NM_003890.2); short protein forms P2636L.
Identifiers: ClinVar variation 2649854 (VCV002649854.24), dbSNP rs149905926, ClinGen allele CA308273846.
Genomic context (GRCh38, chr19:39,902,524, plus strand): 5'-TACTTCTTCTCCAGCTCGGGAGGACACTCCTCGCTGGGGATACAGCCCTCGCTCCCCGGC[G>A]GGCAGGTGGGCGGCGGCAGGCAGGGAGAGTCGGACACCACCTCCTCCCAGGAGTTGCCGA-3'
Protein context (NP_003881.2, residues 2626-2646): DSPCLPPPTC[Pro2636Leu]PGSEGCIPSE